The following is an entry in ClinVar:

ClinVar aggregate classification (germline): Uncertain significance (1 of 4 stars; one submission).

Conditions:
Neonatal-onset encephalopathy with rigidity and seizures. Also called: Lethal neonatal spasticity-epileptic encephalopathy syndrome. Identifiers: Orphanet 435845, MedGen C3281029, MONDO:0013784, OMIM 614498.

Submission:

Labcorp Genetics (formerly Invitae), Labcorp
Classification: Uncertain significance for Neonatal-onset encephalopathy with rigidity and seizures. Last evaluated: 2018-12-20. Review status: criteria provided, single submitter. Criteria: Invitae Variant Classification Sherloc (09022015). Collection method: clinical testing. Allele origin: germline.
Comment: This sequence change replaces glutamine with leucine at codon 629 of the BRAT1 protein (p.Gln629Leu). The glutamine residue is weakly conserved and there is a moderate physicochemical difference between glutamine and leucine. This variant is not present in population databases (ExAC no frequency). This variant has not been reported in the literature in individuals with BRAT1-related conditions. Algorithms developed to predict the effect of missense changes on protein structure and function are either unavailable or do not agree on the potential impact of this missense change (SIFT: "Tolerated"; PolyPhen-2: "Benign"; Align-GVGD: "Class C0"). In summary, the available evidence is currently insufficient to determine the role of this variant in disease. Therefore, it has been classified as a Variant of Uncertain Significance.

NM_152743.4(BRAT1):c.1885_1886delinsTT (p.Gln629Leu)

Gene: BRAT1 (BRCA1 associated ATM activator 1; minus strand). Cytogenetic location: 7p22.3.
Variant type: Indel.
Coding change: c.1885_1886delinsTT on transcript NM_152743.4 (MANE Select); coding-DNA positions 1885 to 1886, CA replaced by TT.
Protein change: p.Gln629Leu; replaces glutamine 629 with leucine.
Molecular consequence: missense variant. On other transcripts: non-coding transcript variant (1).
Genome position (GRCh38, 1-based): chr7:2,538,649-2,538,650, TG replaced by AA on the plus strand (CA replaced by TT on the coding strand, the reverse complement: BRAT1 is on the minus strand). VCF-style: chr7-2538649-TG-AA. GRCh37 (hg19) VCF-style: chr7-2578283-TG-AA.
Other names: c.2065_2066delinsTT, p.Gln689Leu (NM_001350626.2); c.1360_1361delinsTT, p.Gln454Leu (NM_001350627.2); short protein forms Q629L, Q454L, Q689L.
Identifiers: ClinVar variation 641304 (VCV000641304.7), dbSNP rs1583290612, ClinGen allele CA915944813.
Genomic context (GRCh38, chr7:2,538,649, plus strand): 5'-TCCCAGTCCAGGTCTCGGCTCGCCGCCTGCAGCACAGTGGCCACGAACTGCTCCGTGTCC[TG>AA]GGCCGCGTCGGCGTGGCCGTCCCGCAGCCACTCAGTGAAGACTTGCATGACCGCCCGCCG-3'
Protein context (NP_689956.2, residues 619-639): WLRDGHADAA[Gln629Leu]DTEQFVATVL